The following is an entry in ClinVar:

NM_000642.3(AGL):c.2812+96A>G

Gene: AGL (amylo-alpha-1,6-glucosidase and 4-alpha-glucanotransferase; plus strand). Cytogenetic location: 1p21.2.
Variant type: single nucleotide variant.
Coding change: c.2812+96A>G on transcript NM_000642.3 (MANE Select); 96 bases into the intron after coding-DNA position 2812, A replaced by G.
Molecular consequence: intron variant.
Genome position (GRCh38, 1-based): chr1:99,888,204, A>G. VCF-style: chr1-99888204-A-G. GRCh37 (hg19) VCF-style: chr1-100353760-A-G.
Other names: c.2812+96A>G (NM_000643.3, NM_000644.3, NM_001425326.1 and 2 more transcripts); c.2764+96A>G (NM_000646.3); c.2611+96A>G (NM_001425327.1); c.2608+96A>G (NM_001425328.1); c.2473+96A>G (NM_001425329.1); c.2434+96A>G (NM_001425332.1).
Identifiers: ClinVar variation 676734 (VCV000676734.1), dbSNP rs145604857, ClinGen allele CA27523169.
Genomic context (GRCh38, chr1:99,888,204, plus strand): 5'-TTCTTTTAGGGTCATCTGGTGTCTTCTTTACAGACATAGATATAGGCTCAGAGTATGCCT[A>G]CTTGGGTTGCAATTATGGCTCTGCTTCTGCTCATTAATTGACCTTTGGCAAGTAATATAA-3'

ClinVar aggregate classification (germline): Likely benign (1 of 4 stars; one submission).

Allele frequency attached by ClinVar (database versions not stated): 1000 Genomes Project 0.00260; 1000 Genomes Project 30x 0.00265; TOPMed 0.00693; gnomAD 0.00738 and 0.00756; gnomAD exomes 0.01127.
gnomAD v4.1: 16,488 of 1,516,974 alleles (1.1%); highest among the groups gnomAD compares: Non-Finnish European, 1.2%; 126 homozygotes.

Submission:

GeneDx
Classification: Likely benign. Last evaluated: 2018-06-14. Review status: criteria provided, single submitter. Criteria: GeneDx Variant Classification (06012015). Collection method: clinical testing. Allele origin: germline. Affected: yes.
Comment: This variant is considered likely benign or benign based on one or more of the following criteria: it is a conservative change, it occurs at a poorly conserved position in the protein, it is predicted to be benign by multiple in silico algorithms, and/or has population frequency not consistent with disease.